The following is an entry in ClinVar:

NM_000286.3(PEX12):c.680_680+12del

Gene: PEX12 (peroxisomal biogenesis factor 12; minus strand). Cytogenetic location: 17q12.
Variant type: Deletion.
Coding change: c.680_680+12del on transcript NM_000286.3 (MANE Select); coding-DNA position 680 through 12 bases into the intron after coding-DNA position 680, 13 bases deleted (GGTAAGGCCTTAA).
Molecular consequence: splice donor variant.
Genome position (GRCh38, 1-based): chr17:35,577,026-35,577,038, TTAAGGCCTTACC deleted on the plus strand (GGTAAGGCCTTAA on the coding strand, the reverse complement: PEX12 is on the minus strand); deleting any 13 consecutive bases within chr17:35,577,026-35,577,039 gives the same sequence; the c. name uses the placement nearest the transcript's 3' end. VCF-style (leftmost placement, unchanged base first): chr17-35577025-GTTAAGGCCTTACC-G. GRCh37 (hg19) VCF-style: chr17-33904044-GTTAAGGCCTTACC-G.
Identifiers: ClinVar variation 2116235 (VCV002116235.4), dbSNP rs2509169443, ClinGen allele CA2580093585.

ClinVar aggregate classification (germline): Pathogenic (1 of 4 stars; one submission).

Conditions:
Peroxisome biogenesis disorder 3A (Zellweger). Also called: Peroxisome biogenesis disorder 3A; PEROXISOMAL BIOGENESIS DISORDER 3A (ZELLWEGER). Identifiers: Orphanet 912, MedGen C3553929, MONDO:0013927, OMIM 614859.

Submission:

Labcorp Genetics (formerly Invitae), Labcorp
Classification: Pathogenic for Peroxisome biogenesis disorder 3A (Zellweger). Last evaluated: 2022-08-16. Review status: criteria provided, single submitter. Criteria: Invitae Variant Classification Sherloc (09022015). Collection method: clinical testing. Allele origin: germline.
Comment: This variant is not present in population databases (gnomAD no frequency). This variant results in the deletion of part of exon 2 (c.680_680+12del) of the PEX12 gene. While this variant is not anticipated to result in nonsense mediated decay, it likely alters RNA splicing and results in a disrupted protein product. This variant has not been reported in the literature in individuals affected with PEX12-related conditions. For these reasons, this variant has been classified as Pathogenic. This variant disrupts a region of the PEX12 protein in which other variant(s) (p.Gln349del) have been determined to be pathogenic (PMID: 15542397, 21031596; Invitae). This suggests that this is a clinically significant region of the protein, and that variants that disrupt it are likely to be disease-causing. Variants that disrupt the consensus splice site are a relatively common cause of aberrant splicing (PMID: 17576681, 9536098). Algorithms developed to predict the effect of sequence changes on RNA splicing suggest that this variant may disrupt the consensus splice site.

Literature cited by the submitters: PubMed 15542397; PubMed 21031596; PubMed 17576681; PubMed 9536098.